The following is an entry in ClinVar:

ClinVar aggregate classification (germline): Uncertain significance. Review status: criteria provided, multiple submitters, no conflicts (2 of 4 stars). 2 submissions from 2 submitters: Uncertain significance (2). Last evaluated 2026-01-14.

Conditions:
Inborn genetic diseases. Identifiers: MedGen C0950123, MeSH D030342.

Allele frequency attached by ClinVar (database versions not stated): gnomAD exomes below 0.00001.
gnomAD v4.1: 4 of 1,601,296 alleles (0.00025%); highest among the groups gnomAD compares: South Asian, 0.0033%; no homozygotes.

Submissions (2):

Ambry Genetics
Classification: Uncertain significance for Inborn genetic diseases. Last evaluated: 2026-01-14. Review status: criteria provided, single submitter. Criteria: Ambry Variant Classification Scheme 2023. Collection method: clinical testing. Allele origin: germline.
Comment: The c.1412G>A (p.R471Q) alteration is located in exon 10 (coding exon 9) of the SIN3A gene. This alteration results from a G to A substitution at nucleotide position 1412, causing the arginine (R) at amino acid position 471 to be replaced by a glutamine (Q). Based on data from gnomAD, the A allele has an overall frequency of 0.003% (1/31390) total alleles studied. The highest observed frequency was 0.007% (1/15420) of European (non-Finnish) alleles. Based on insufficient or conflicting evidence, the clinical significance of this alteration remains unclear.

GeneDx
Classification: Uncertain significance. Last evaluated: 2020-07-02. Review status: criteria provided, single submitter. Criteria: GeneDx Variant Classification Process June 2021. Collection method: clinical testing. Allele origin: germline. Affected: yes.
Comment: In silico analysis supports that this missense variant has a deleterious effect on protein structure/function; Has not been previously published as pathogenic or benign to our knowledge

NM_001145358.2(SIN3A):c.1412G>A (p.Arg471Gln)

Gene: SIN3A (SIN3 transcription regulator family member A; minus strand). Cytogenetic location: 15q24.2.
Variant type: single nucleotide variant.
Coding change: c.1412G>A on transcript NM_001145358.2 (MANE Select); coding-DNA position 1412, G replaced by A.
Protein change: p.Arg471Gln; replaces arginine 471 with glutamine.
Molecular consequence: missense variant.
Genome position (GRCh38, 1-based): chr15:75,401,966, C>T on the plus strand (G>A on the coding strand, the complement: SIN3A is on the minus strand). VCF-style: chr15-75401966-C-T. GRCh37 (hg19) VCF-style: chr15-75694307-C-T.
Other names: c.1412G>A, p.Arg471Gln (NM_001145357.2, NM_015477.3); short protein forms R471Q.
Identifiers: ClinVar variation 1313021 (VCV001313021.3), dbSNP rs1173797523, ClinGen allele CA393499318.